The following is an entry in ClinVar:

ClinVar aggregate classification (germline): Uncertain significance (1 of 4 stars; one submission).

Conditions:
Dystonia 12 (DYT12). Also called: Rapid-Onset Dystonia-Parkinsonism (RDP); DYT-ATP1A3. Identifiers: Orphanet 71517, MedGen C1868681, MONDO:0007496, OMIM 128235.

Allele frequency attached by ClinVar (database versions not stated): gnomAD exomes below 0.00001; TOPMed below 0.00001; ExAC 0.00001.
gnomAD v4.1: 2 of 1,614,174 alleles (0.00012%); highest among the groups gnomAD compares: African/African-American, 0.0013%; no homozygotes.

Submission:

Labcorp Genetics (formerly Invitae), Labcorp
Classification: Uncertain significance for Dystonia 12. Last evaluated: 2023-03-08. Review status: criteria provided, single submitter. Criteria: Invitae Variant Classification Sherloc (09022015). Collection method: clinical testing. Allele origin: germline.
Comment: In summary, the available evidence is currently insufficient to determine the role of this variant in disease. Therefore, it has been classified as a Variant of Uncertain Significance. Advanced modeling of protein sequence and biophysical properties (such as structural, functional, and spatial information, amino acid conservation, physicochemical variation, residue mobility, and thermodynamic stability) performed at Invitae indicates that this missense variant is not expected to disrupt ATP1A3 protein function. This variant has not been reported in the literature in individuals affected with ATP1A3-related conditions. This variant is present in population databases (rs782747161, gnomAD 0.003%). This sequence change replaces histidine, which is basic and polar, with arginine, which is basic and polar, at codon 413 of the ATP1A3 protein (p.His413Arg).

NM_152296.5(ATP1A3):c.1238A>G (p.His413Arg)

Gene: ATP1A3 (ATPase Na+/K+ transporting subunit alpha 3; minus strand). Cytogenetic location: 19q13.2.
Variant type: single nucleotide variant.
Coding change: c.1238A>G on transcript NM_152296.5 (MANE Select); coding-DNA position 1238, A replaced by G.
Protein change: p.His413Arg; replaces histidine 413 with arginine.
Molecular consequence: missense variant.
Genome position (GRCh38, 1-based): chr19:41,981,786, T>C on the plus strand (A>G on the coding strand, the complement: ATP1A3 is on the minus strand). VCF-style: chr19-41981786-T-C. GRCh37 (hg19) VCF-style: chr19-42485938-T-C.
Other names: c.1271A>G, p.His424Arg (NM_001256213.2); c.1277A>G, p.His426Arg (NM_001256214.2); short protein forms H424R, H413R, H426R.
Identifiers: ClinVar variation 2884328 (VCV002884328.3), dbSNP rs782747161, ClinGen allele CA9467689.